The following is an entry in ClinVar:

NM_001256715.2(DNAAF3):c.854T>C (p.Phe285Ser)

Genes: DNAAF3 (dynein axonemal assembly factor 3; minus strand), DNAAF3-AS1 (DNAAF3 antisense RNA 1; plus strand). Cytogenetic location: 19q13.42.
Variant type: single nucleotide variant.
Coding change: c.854T>C on transcript NM_001256715.2 (MANE Select); coding-DNA position 854, T replaced by C.
Protein change: p.Phe285Ser; replaces phenylalanine 285 with serine.
Molecular consequence: missense variant.
Genome position (GRCh38, 1-based): chr19:55,161,123, A>G on the plus strand (T>C on the coding strand, the complement: DNAAF3 is on the minus strand). VCF-style: chr19-55161123-A-G. GRCh37 (hg19) VCF-style: chr19-55672491-A-G.
Other names: c.1058T>C, p.Phe353Ser (NM_001256714.1); c.692T>C, p.Phe231Ser (NM_001256716.2); c.995T>C, p.Phe332Ser (NM_178837.4); short protein forms F285S, F332S, F353S, F231S.
Identifiers: ClinVar variation 2110045 (VCV002110045.4), dbSNP rs2515521782, ClinGen allele CA407452493.
Genomic context (GRCh38, chr19:55,161,123, plus strand): 5'-ACCTTGACTGGCTGGCCGTTGCTCGTCCGCAGGAGGCTCTCGTCGTCCGCTTCGATGCCG[A>G]AGGCCACGAAGGGCCCCGTGGCGATGTCCCCCCAGTACCCGCGCGCTGCCACGCGCTCCC-3'
Protein context (NP_001243644.1, residues 275-295): GDIATGPFVA[Phe285Ser]GIEADDESLL

ClinVar aggregate classification (germline): Likely pathogenic (1 of 4 stars; one submission).

Conditions:
Primary ciliary dyskinesia. Also called: Ciliary dyskinesia. Identifiers: Orphanet 244, MedGen C0008780, MONDO:0016575, HP:0012265.

Submission:

Labcorp Genetics (formerly Invitae), Labcorp
Classification: Likely pathogenic for Primary ciliary dyskinesia. Last evaluated: 2022-07-11. Review status: criteria provided, single submitter. Criteria: Invitae Variant Classification Sherloc (09022015). Collection method: clinical testing. Allele origin: germline.
Comment: This missense change has been observed in individual(s) with primary ciliary dyskinesia (Invitae). It has also been observed to segregate with disease in related individuals. In summary, the currently available evidence indicates that the variant is pathogenic, but additional data are needed to prove that conclusively. Therefore, this variant has been classified as Likely Pathogenic. Algorithms developed to predict the effect of missense changes on protein structure and function are either unavailable or do not agree on the potential impact of this missense change (SIFT: "Deleterious"; PolyPhen-2: "Probably Damaging"; Align-GVGD: "Class C0"). This variant is not present in population databases (gnomAD no frequency). This sequence change replaces phenylalanine, which is neutral and non-polar, with serine, which is neutral and polar, at codon 353 of the DNAAF3 protein (p.Phe353Ser).